The following is an entry in ClinVar:

ClinVar aggregate classification (germline): Uncertain significance (1 of 4 stars; one submission).

Allele frequency attached by ClinVar (database versions not stated): gnomAD exomes below 0.00001; gnomAD 0.00001; TOPMed 0.00002.
gnomAD v4.1: 3 of 1,613,900 alleles (0.00019%); highest among the groups gnomAD compares: Admixed American, 0.005%; no homozygotes.

Submission:

Labcorp Genetics (formerly Invitae), Labcorp
Classification: Uncertain significance. Last evaluated: 2022-12-12. Review status: criteria provided, single submitter. Criteria: Invitae Variant Classification Sherloc (09022015). Collection method: clinical testing. Allele origin: germline.
Comment: This sequence change replaces proline, which is neutral and non-polar, with serine, which is neutral and polar, at codon 452 of the POC5 protein (p.Pro452Ser). This variant is present in population databases (no rsID available, gnomAD 0.006%). This variant has not been reported in the literature in individuals affected with POC5-related conditions. Algorithms developed to predict the effect of missense changes on protein structure and function are either unavailable or do not agree on the potential impact of this missense change (SIFT: "Not Available"; PolyPhen-2: "Probably Damaging"; Align-GVGD: "Not Available"). In summary, the available evidence is currently insufficient to determine the role of this variant in disease. Therefore, it has been classified as a Variant of Uncertain Significance.

NM_001099271.2(POC5):c.1354C>T (p.Pro452Ser)

Gene: POC5 (POC5 centriolar protein; minus strand). Cytogenetic location: 5q13.3.
Variant type: single nucleotide variant.
Coding change: c.1354C>T on transcript NM_001099271.2 (MANE Select); coding-DNA position 1354, C replaced by T.
Protein change: p.Pro452Ser; replaces proline 452 with serine.
Molecular consequence: missense variant.
Genome position (GRCh38, 1-based): chr5:75,685,260, G>A on the plus strand (C>T on the coding strand, the complement: POC5 is on the minus strand). VCF-style: chr5-75685260-G-A. GRCh37 (hg19) VCF-style: chr5-74981085-G-A.
Other names: c.1279C>T, p.Pro427Ser (NM_152408.3); short protein forms P427S, P452S.
Identifiers: ClinVar variation 1934104 (VCV001934104.5), dbSNP rs1265821924, ClinGen allele CA360144293.